The following is an entry in ClinVar:

ClinVar aggregate classification (germline): Conflicting classifications of pathogenicity. Review status: criteria provided, conflicting classifications (1 of 4 stars). 8 submissions from 8 submitters: Uncertain significance (1); Likely benign (6). 1 of the submissions does not count toward it. Last evaluated 2026-01-19.

Conditions:
NSUN2-related disorder. Also called: NSUN2-related condition.
Inborn genetic diseases. Identifiers: MedGen C0950123, MeSH D030342.
Intellectual developmental disorder, autosomal recessive 5. Also called: Intellectual disability, autosomal recessive 5. Identifiers: Orphanet 88616, MedGen C1970199, MONDO:0012613, OMIM 611091.

Allele frequency attached by ClinVar (database versions not stated): ESP Exome Variant Server 0.00023; TOPMed 0.00059; 1000 Genomes Project 30x 0.00031; gnomAD 0.00040 and 0.00044; 1000 Genomes Project 0.00040.
gnomAD v4.1: 732 of 1,606,798 alleles (0.046%); highest among the groups gnomAD compares: Admixed American, 0.13%; 1 homozygote.

Submissions (8):

Labcorp Genetics (formerly Invitae), Labcorp
Classification: Likely benign. Last evaluated: 2026-01-19. Review status: criteria provided, single submitter. Criteria: Invitae Variant Classification Sherloc (09022015). Collection method: clinical testing. Allele origin: germline.

CeGaT Center for Human Genetics Tuebingen
Classification: Likely benign. Last evaluated: 2026-01-01. Review status: criteria provided, single submitter. Criteria: CeGaT Center For Human Genetics Tuebingen Variant Classification Criteria Version 2. Collection method: clinical testing. Allele origin: germline. Affected: yes. Observed: 2 variant alleles.
Comment: NSUN2: BP4, BP7

Blueprint Genetics
Classification: Likely benign. Last evaluated: 2024-11-25. Review status: criteria provided, single submitter. Criteria: ACMG Guidelines, 2015. Collection method: clinical testing. Allele origin: germline.

GeneDx
Classification: Likely benign. Last evaluated: 2019-01-07. Review status: criteria provided, single submitter. Criteria: GeneDx Variant Classification Process June 2021. Collection method: clinical testing. Allele origin: germline. Affected: yes.

Illumina Laboratory Services, Illumina
Classification: Uncertain significance for Intellectual developmental disorder, autosomal recessive 5. Last evaluated: 2018-01-12. Review status: criteria provided, single submitter. Criteria: ICSL Variant Classification Criteria 13 December 2019. Collection method: clinical testing. Allele origin: germline.

Ambry Genetics
Classification: Likely benign for Inborn genetic diseases. Last evaluated: 2017-05-12. Review status: criteria provided, single submitter. Criteria: Ambry Variant Classification Scheme 2023. Collection method: clinical testing. Allele origin: germline.

Genetic Services Laboratory, University of Chicago
Classification: Likely benign. Last evaluated: 2016-04-18. Review status: criteria provided, single submitter. Criteria: ACMG Guidelines, 2015. Collection method: clinical testing. Allele origin: germline. Affected: no.

PreventionGenetics, part of Exact Sciences
Classification: Likely benign for NSUN2-related condition. Last evaluated: 2019-05-28. Review status: no assertion criteria provided. Collection method: clinical testing. Allele origin: germline. Not counted in ClinVar's aggregate classification.
Comment: This variant is classified as likely benign based on ACMG/AMP sequence variant interpretation guidelines (Richards et al. 2015 PMID: 25741868, with internal and published modifications).

NM_017755.6(NSUN2):c.258C>T (p.His86=)

Gene: NSUN2 (NOP2/Sun RNA methyltransferase 2; minus strand). Cytogenetic location: 5p15.31.
Variant type: single nucleotide variant.
Coding change: c.258C>T on transcript NM_017755.6 (MANE Select); coding-DNA position 258, C replaced by T.
Protein change: p.His86=; no amino-acid change (histidine 86 retained).
Molecular consequence: synonymous variant. On other transcripts: non-coding transcript variant (1), intron variant (1).
Genome position (GRCh38, 1-based): chr5:6,631,974, G>A on the plus strand (C>T on the coding strand, the complement: NSUN2 is on the minus strand). VCF-style: chr5-6631974-G-A. GRCh37 (hg19) VCF-style: chr5-6632087-G-A.
Other names: c.254+625C>T (NM_001193455.2).
Identifiers: ClinVar variation 354061 (VCV000354061.45), dbSNP rs141912087, ClinGen allele CA3192861.